The following is an entry in ClinVar:

NM_177438.3(DICER1):c.5755G>A (p.Val1919Ile)

Gene: DICER1 (dicer 1, ribonuclease III; minus strand). Cytogenetic location: 14q32.13.
Variant type: single nucleotide variant.
Coding change: c.5755G>A on transcript NM_177438.3 (MANE Select); coding-DNA position 5755, G replaced by A.
Protein change: p.Val1919Ile; replaces valine 1919 with isoleucine.
Molecular consequence: missense variant. On other transcripts: 3 prime UTR variant (1).
Genome position (GRCh38, 1-based): chr14:95,090,512, C>T on the plus strand (G>A on the coding strand, the complement: DICER1 is on the minus strand). VCF-style: chr14-95090512-C-T. GRCh37 (hg19) VCF-style: chr14-95556849-C-T.
Other names: c.*102G>A (NM_001195573.1); c.5755G>A, p.Val1919Ile (NM_001271282.3, NM_001291628.2, NM_030621.4); short protein forms V1919I.
Identifiers: ClinVar variation 855576 (VCV000855576.11), dbSNP rs762301997, ClinGen allele CA7330597.

ClinVar aggregate classification (germline): Uncertain significance (1 of 4 stars; one submission).

Conditions:
DICER1-related tumor predisposition. Also called: DICER1 syndrome; DICER1-related pleuropulmonary blastoma cancer predisposition syndrome. Identifiers: Orphanet 284343, MedGen C3839822, MONDO:0100216.

Allele frequency attached by ClinVar (database versions not stated): gnomAD exomes below 0.00001; ExAC 0.00001.

Submission:

Labcorp Genetics (formerly Invitae), Labcorp
Classification: Uncertain significance for DICER1-related tumor predisposition. Last evaluated: 2022-12-06. Review status: criteria provided, single submitter. Criteria: Invitae Variant Classification Sherloc (09022015). Collection method: clinical testing. Allele origin: germline.
Comment: This sequence change replaces valine, which is neutral and non-polar, with isoleucine, which is neutral and non-polar, at codon 1919 of the DICER1 protein (p.Val1919Ile). In summary, the available evidence is currently insufficient to determine the role of this variant in disease. Therefore, it has been classified as a Variant of Uncertain Significance. Algorithms developed to predict the effect of missense changes on protein structure and function (SIFT, PolyPhen-2, Align-GVGD) all suggest that this variant is likely to be tolerated. ClinVar contains an entry for this variant (Variation ID: 855576). This variant has not been reported in the literature in individuals affected with DICER1-related conditions. This variant is present in population databases (rs762301997, gnomAD 0.0009%).